The following is an entry in ClinVar:

ClinVar aggregate classification (germline): Uncertain significance (1 of 4 stars; one submission).

Allele frequency attached by ClinVar (database versions not stated): ExAC 0.00002; gnomAD exomes 0.00002; gnomAD 0.00003 and 0.00004; TOPMed 0.00005; 1000 Genomes Project 30x 0.00031.
gnomAD v4.1: 19 of 1,539,448 alleles (0.0012%); highest among the groups gnomAD compares: East Asian, 0.02%; no homozygotes.

Submission:

Labcorp Genetics (formerly Invitae), Labcorp
Classification: Uncertain significance. Last evaluated: 2021-09-01. Review status: criteria provided, single submitter. Criteria: Invitae Variant Classification Sherloc (09022015). Collection method: clinical testing. Allele origin: germline.
Comment: This sequence change replaces glutamic acid with aspartic acid at codon 341 of the DARS protein (p.Glu341Asp). The glutamic acid residue is highly conserved and there is a small physicochemical difference between glutamic acid and aspartic acid. This variant is present in population databases (rs200308019, ExAC 0.02%). This variant has not been reported in the literature in individuals affected with DARS-related conditions. Algorithms developed to predict the effect of missense changes on protein structure and function are either unavailable or do not agree on the potential impact of this missense change (SIFT: "Deleterious"; PolyPhen-2: "Benign"; Align-GVGD: "Class C0"). In summary, the available evidence is currently insufficient to determine the role of this variant in disease. Therefore, it has been classified as a Variant of Uncertain Significance.

NM_001349.4(DARS1):c.1023G>T (p.Glu341Asp)

Gene: DARS1 (aspartyl-tRNA synthetase 1; minus strand). Cytogenetic location: 2q21.3.
Variant type: single nucleotide variant.
Coding change: c.1023G>T on transcript NM_001349.4 (MANE Select); coding-DNA position 1023, G replaced by T.
Protein change: p.Glu341Asp; replaces glutamic acid 341 with aspartic acid.
Molecular consequence: missense variant.
Genome position (GRCh38, 1-based): chr2:135,916,309, C>A on the plus strand (G>T on the coding strand, the complement: DARS1 is on the minus strand). VCF-style: chr2-135916309-C-A. GRCh37 (hg19) VCF-style: chr2-136673879-C-A.
Other names: c.723G>T, p.Glu241Asp (NM_001293312.1); short protein forms E241D, E341D.
Identifiers: ClinVar variation 1682554 (VCV001682554.5), dbSNP rs200308019, ClinGen allele CA1889610.
Genomic context (GRCh38, chr2:135,916,309, plus strand): 5'-TTCGACTCCAGCTTCCCTAAGCATAGCCAATGCTTCACAATATTCTAGTCTTAGAGTTGG[C>A]TCCAAAAATTTGAATGGCTCACATGGGAACTGTTTATTCACTGTTTGAATTTCAGTCTGA-3'
Protein context (NP_001340.2, residues 331-351): QFPCEPFKFL[Glu341Asp]PTLRLEYCEA